The following is an entry in ClinVar:

NM_000548.5(TSC2):c.1840-6T>A

Gene: TSC2 (TSC complex subunit 2; plus strand). Cytogenetic location: 16p13.3.
Variant type: single nucleotide variant.
Coding change: c.1840-6T>A on transcript NM_000548.5 (MANE Select); 6 bases into the intron before coding-DNA position 1840, T replaced by A.
Molecular consequence: intron variant.
Genome position (GRCh38, 1-based): chr16:2,071,504, T>A. VCF-style: chr16-2071504-T-A. GRCh37 (hg19) VCF-style: chr16-2121505-T-A.
Other names: c.1840-6T>A (NM_001114382.3, NM_021055.3, NM_001370405.1 and 3 more transcripts); c.1729-6T>A (NM_001318827.2); c.1240-6T>A (NM_001318831.2); c.1693-6T>A (NM_001318829.2); c.1873-6T>A (NM_001318832.2).
Identifiers: ClinVar variation 861714 (VCV000861714.9), dbSNP rs747952317, ClinGen allele CA916081760.

ClinVar aggregate classification (germline): Conflicting classifications of pathogenicity. Review status: criteria provided, conflicting classifications (1 of 4 stars). 4 submissions from 4 submitters: Uncertain significance (3); Benign (1). Last evaluated 2025-09-04.

Conditions:
Tuberous sclerosis syndrome (TSC). Also called: Tuberous Sclerosis Complex; Tuberous sclerosis. Identifiers: Orphanet 805, MedGen C0041341, MONDO:0001734.
Tuberous sclerosis 2 (TSC2). Identifiers: Orphanet 805, MedGen C1860707, MONDO:0013199, OMIM 613254.

gnomAD v4.1: 3 of 1,613,534 alleles (0.00019%); highest among the groups gnomAD compares: Non-Finnish European, 0.00025%; no homozygotes.

Submissions (4):

Color Diagnostics, LLC DBA Color Health
Classification: Uncertain significance for Tuberous sclerosis syndrome. Last evaluated: 2025-09-04. Review status: criteria provided, single submitter. Criteria: ACMG Guidelines, 2015. Collection method: clinical testing. Allele origin: germline.
Comment: This variant causes a T to A nucleotide substitution at the -6 position of intron 17 of the TSC2 gene. Splice site prediction tools suggest that this variant may have a significant impact on RNA splicing, although this prediction has not been confirmed in published RNA studies. This variant has not been reported in individuals affected with TSC2-related disorders in the literature. This variant has not been identified in the general population by the Genome Aggregation Database (gnomAD). The available evidence is insufficient to determine the role of this variant in disease conclusively. Therefore, this variant is classified as a Variant of Uncertain Significance.

Labcorp Genetics (formerly Invitae), Labcorp
Classification: Benign for Tuberous sclerosis 2. Last evaluated: 2025-05-27. Review status: criteria provided, single submitter. Criteria: Invitae Variant Classification Sherloc (09022015). Collection method: clinical testing. Allele origin: germline.

GeneDx
Classification: Uncertain significance. Last evaluated: 2024-05-28. Review status: criteria provided, single submitter. Criteria: GeneDx Variant Classification Process June 2021. Collection method: clinical testing. Allele origin: germline. Affected: yes.
Comment: Not observed at significant frequency in large population cohorts (gnomAD); In silico analysis supports a deleterious effect on splicing; Has not been previously published as pathogenic or benign to our knowledge

All of Us Research Program, National Institutes of Health
Classification: Uncertain significance for Tuberous sclerosis syndrome. Last evaluated: 2023-08-15. Review status: criteria provided, single submitter. Criteria: ACMG Guidelines, 2015. Collection method: clinical testing. Allele origin: germline. Inheritance: Autosomal dominant inheritance. Observed: 2 variant alleles, 2 heterozygotes.
Comment: This variant causes a T to A nucleotide substitution at the -6 position of intron 17 of the TSC2 gene. Splice site prediction tools suggest that this variant may have a significant impact on RNA splicing, although this prediction has not been confirmed in published RNA studies. This variant has not been reported in individuals affected with TSC2-related disorders in the literature. This variant has not been identified in the general population by the Genome Aggregation Database (gnomAD). The available evidence is insufficient to determine the role of this variant in disease conclusively. Therefore, this variant is classified as a Variant of Uncertain Significance.

This study involves interpretation of variants in research participants for the purpose of population health screening. Participant phenotype was not available at the time of variant classification. Additional details can be found in publication PMID: 35346344, PMCID: PMC8962531